The following is an entry in ClinVar:

ClinVar aggregate classification (germline): Uncertain significance (1 of 4 stars; one submission).

Allele frequency attached by ClinVar (database versions not stated): TOPMed 0.00001.
gnomAD v4.1: 4 of 1,613,648 alleles (0.00025%); highest among the groups gnomAD compares: Non-Finnish European, 0.00034%; no homozygotes.

Submission:

Labcorp Genetics (formerly Invitae), Labcorp
Classification: Uncertain significance. Last evaluated: 2023-12-14. Review status: criteria provided, single submitter. Criteria: Invitae Variant Classification Sherloc (09022015). Collection method: clinical testing. Allele origin: germline.
Comment: This sequence change replaces alanine, which is neutral and non-polar, with glycine, which is neutral and non-polar, at codon 2874 of the VCAN protein (p.Ala2874Gly). This variant is present in population databases (no rsID available, gnomAD 0.007%). This variant has not been reported in the literature in individuals affected with VCAN-related conditions. ClinVar contains an entry for this variant (Variation ID: 960257). An algorithm developed to predict the effect of missense changes on protein structure and function (PolyPhen-2) suggests that this variant is likely to be disruptive. In summary, the available evidence is currently insufficient to determine the role of this variant in disease. Therefore, it has been classified as a Variant of Uncertain Significance.

NM_004385.5(VCAN):c.8621C>G (p.Ala2874Gly)

Genes: VCAN (versican; plus strand), VCAN-AS1 (VCAN antisense RNA 1; minus strand). Cytogenetic location: 5q14.3.
Variant type: single nucleotide variant.
Coding change: c.8621C>G on transcript NM_004385.5 (MANE Select); coding-DNA position 8621, C replaced by G.
Protein change: p.Ala2874Gly; replaces alanine 2874 with glycine.
Molecular consequence: missense variant. On other transcripts: intron variant (2).
Genome position (GRCh38, 1-based): chr5:83,541,624, C>G. VCF-style: chr5-83541624-C-G. GRCh37 (hg19) VCF-style: chr5-82837443-C-G.
Other names: c.5660C>G, p.Ala1887Gly (NM_001164097.2); c.4004-3913C>G (NM_001164098.2); c.1043-3913C>G (NM_001126336.3); short protein forms A2874G, A1887G.
Identifiers: ClinVar variation 960257 (VCV000960257.9), dbSNP rs147798761, ClinGen allele CA360293810.